The following is an entry in ClinVar:

ClinVar aggregate classification (germline): Conflicting classifications of pathogenicity. Review status: criteria provided, conflicting classifications (1 of 4 stars). 4 submissions from 4 submitters: Uncertain significance (1); Likely benign (2). 1 of the submissions does not count toward it. Last evaluated 2022-03-10.

Conditions:
COL9A1-related disorder. Also called: COL9A1-related disorders; COL9A1-related condition.

Allele frequency attached by ClinVar (database versions not stated): gnomAD 0.00007; TOPMed 0.00008; ESP Exome Variant Server 0.00015; gnomAD exomes 0.00001 and 0.00002; ExAC 0.00004.
gnomAD v4.1: 22 of 1,603,588 alleles (0.0014%); highest among the groups gnomAD compares: African/African-American, 0.013%; no homozygotes.

Submissions (4):

Labcorp Genetics (formerly Invitae), Labcorp
Classification: Uncertain significance. Last evaluated: 2022-03-10. Review status: criteria provided, single submitter. Criteria: Invitae Variant Classification Sherloc (09022015). Collection method: clinical testing. Allele origin: germline.
Comment: This sequence change falls in intron 1 of the COL9A1 gene. It does not directly change the encoded amino acid sequence of the COL9A1 protein. It affects a nucleotide within the consensus splice site. This variant is present in population databases (rs367798424, gnomAD 0.01%). This variant has not been reported in the literature in individuals affected with COL9A1-related conditions. ClinVar contains an entry for this variant (Variation ID: 682590). Variants that disrupt the consensus splice site are a relatively common cause of aberrant splicing (PMID: 17576681, 9536098). Algorithms developed to predict the effect of sequence changes on RNA splicing suggest that this variant is not likely to affect RNA splicing. In summary, the available evidence is currently insufficient to determine the role of this variant in disease. Therefore, it has been classified as a Variant of Uncertain Significance.

Blueprint Genetics
Classification: Likely benign. Last evaluated: 2021-09-27. Review status: criteria provided, single submitter. Criteria: ACMG Guidelines, 2015. Collection method: clinical testing. Allele origin: germline.

GeneDx
Classification: Likely benign. Last evaluated: 2021-02-19. Review status: criteria provided, single submitter. Criteria: GeneDx Variant Classification Process June 2021. Collection method: clinical testing. Allele origin: germline. Affected: yes.

PreventionGenetics, part of Exact Sciences
Classification: Likely benign for COL9A1-related condition. Last evaluated: 2022-02-25. Review status: no assertion criteria provided. Collection method: clinical testing. Allele origin: germline. Not counted in ClinVar's aggregate classification.
Comment: This variant is classified as likely benign based on ACMG/AMP sequence variant interpretation guidelines (Richards et al. 2015 PMID: 25741868, with internal and published modifications).

Literature cited by the submitters: PubMed 17576681 (cited by Labcorp Genetics (formerly Invitae), Labcorp); PubMed 9536098 (cited by Labcorp Genetics (formerly Invitae), Labcorp).

NM_001851.6(COL9A1):c.15-3C>T

Gene: COL9A1 (collagen type IX alpha 1 chain; minus strand). Cytogenetic location: 6q13.
Variant type: single nucleotide variant.
Coding change: c.15-3C>T on transcript NM_001851.6 (MANE Select); 3 bases into the intron before coding-DNA position 15, C replaced by T.
Molecular consequence: intron variant.
Genome position (GRCh38, 1-based): chr6:70,302,077, G>A on the plus strand (C>T on the coding strand, the complement: COL9A1 is on the minus strand). VCF-style: chr6-70302077-G-A. GRCh37 (hg19) VCF-style: chr6-71011780-G-A.
Other names: c.15-3C>T (NM_001377291.1).
Identifiers: ClinVar variation 682590 (VCV000682590.11), dbSNP rs367798424, ClinGen allele CA3882965.